The following is an entry in ClinVar:

NM_015009.3(PDZRN3):c.2586C>T (p.Ser862=)

Gene: PDZRN3 (PDZ domain containing ring finger 3; minus strand). Cytogenetic location: 3p13.
Variant type: single nucleotide variant.
Coding change: c.2586C>T on transcript NM_015009.3 (MANE Select); coding-DNA position 2586, C replaced by T.
Protein change: p.Ser862=; no amino-acid change (serine 862 retained).
Molecular consequence: synonymous variant.
Genome position (GRCh38, 1-based): chr3:73,383,980, G>A on the plus strand (C>T on the coding strand, the complement: PDZRN3 is on the minus strand). VCF-style: chr3-73383980-G-A. GRCh37 (hg19) VCF-style: chr3-73433131-G-A.
Other names: c.1680C>T, p.Ser560= (NM_001303139.2); c.1557C>T, p.Ser519= (NM_001303140.2); c.1752C>T, p.Ser584= (NM_001303141.2); c.1737C>T, p.Ser579= (NM_001303142.2).
Identifiers: ClinVar variation 5041820 (VCV005041820.1).

ClinVar aggregate classification (germline): Likely benign (1 of 4 stars; one submission).

gnomAD v4.1: 1 of 1,594,064 alleles (0.000063%); highest among the groups gnomAD compares: Non-Finnish European, 0.000085%; no homozygotes.

Submission:

CeGaT Center for Human Genetics Tuebingen
Classification: Likely benign. Last evaluated: 2026-09-01. Review status: criteria provided, single submitter. Criteria: CeGaT Center For Human Genetics Tuebingen Variant Classification Criteria Version 2. Collection method: clinical testing. Allele origin: germline. Affected: yes. Observed: 1 variant allele.
Comment: PDZRN3: BP4, BP7